The following is an entry in ClinVar:

ClinVar aggregate classification (germline): Likely benign (1 of 4 stars; one submission).

Submission:

CeGaT Center for Human Genetics Tuebingen
Classification: Likely benign. Last evaluated: 2025-10-01. Review status: criteria provided, single submitter. Criteria: CeGaT Center For Human Genetics Tuebingen Variant Classification Criteria Version 2. Collection method: clinical testing. Allele origin: germline. Affected: yes. Observed: 1 variant allele.
Comment: SPATA31C1: BP4, BP7

NM_001145124.1(SPATA31C1):c.1659A>G (p.Ser553=)

Genes: SPATA31C1 (SPATA31 subfamily C member 1; plus strand), LOC497256 (uncharacterized LOC497256; minus strand). Cytogenetic location: 9q22.1.
Variant type: single nucleotide variant.
Coding change: c.1659A>G on transcript NM_001145124.1 (MANE Select); coding-DNA position 1659, A replaced by G.
Protein change: p.Ser553=; no amino-acid change (serine 553 retained).
Molecular consequence: synonymous variant.
Genome position (GRCh38, 1-based): chr9:87,921,566, A>G. VCF-style: chr9-87921566-A-G. GRCh37 (hg19) VCF-style: chr9-90536481-A-G.
Identifiers: ClinVar variation 4533893 (VCV004533893.6).